The following is an entry in ClinVar:

NM_000293.3(PHKB):c.379T>A (p.Tyr127Asn)

Gene: PHKB (phosphorylase kinase regulatory subunit beta; plus strand). Cytogenetic location: 16q12.1.
Variant type: single nucleotide variant.
Coding change: c.379T>A on transcript NM_000293.3 (MANE Select); coding-DNA position 379, T replaced by A.
Protein change: p.Tyr127Asn; replaces tyrosine 127 with asparagine.
Molecular consequence: missense variant.
Genome position (GRCh38, 1-based): chr16:47,503,064, T>A. VCF-style: chr16-47503064-T-A. GRCh37 (hg19) VCF-style: chr16-47536975-T-A.
Other names: c.358T>A, p.Tyr120Asn (NM_001031835.3); c.379T>A, p.Tyr127Asn (NM_001363837.1); c.358T>A (NM_001031835.2); short protein forms Y120N, Y127N.
Identifiers: ClinVar variation 2164539 (VCV002164539.2), dbSNP rs151291928, ClinGen allele CA8040456.

ClinVar aggregate classification (germline): Uncertain significance. Review status: criteria provided, multiple submitters, no conflicts (2 of 4 stars). 2 submissions from 2 submitters: Uncertain significance (2). Last evaluated 2024-12-06.

Conditions:
PHKB-related disorder. Also called: PHKB-related condition.
Glycogen storage disease IXb (GSD9B). Also called: PHOSPHORYLASE KINASE DEFICIENCY OF LIVER AND MUSCLE, AUTOSOMAL RECESSIVE; GLYCOGENOSIS OF LIVER AND MUSCLE, AUTOSOMAL RECESSIVE; GSD IXb. Identifiers: Orphanet 79240, MedGen C0543514, MONDO:0009868, OMIM 261750.

Allele frequency attached by ClinVar (database versions not stated): gnomAD exomes below 0.00001; ExAC 0.00001; gnomAD 0.00001; TOPMed 0.00003; ESP Exome Variant Server 0.00008.
gnomAD v4.1: 5 of 1,609,758 alleles (0.00031%); highest among the groups gnomAD compares: African/African-American, 0.0067%; no homozygotes.

Submissions (2):

PreventionGenetics, part of Exact Sciences
Classification: Uncertain significance for PHKB-related condition. Last evaluated: 2024-12-06. Review status: criteria provided, single submitter. Criteria: ACMG Guidelines, 2015. Collection method: clinical testing. Allele origin: germline.
Comment: The PHKB c.358T>A variant is predicted to result in the amino acid substitution p.Tyr120Asn. To our knowledge, this variant has not been reported in the literature. This variant is reported in 0.012% of alleles in individuals of African descent in gnomAD. At this time, the clinical significance of this variant is uncertain due to the absence of conclusive functional and genetic evidence.

Labcorp Genetics (formerly Invitae), Labcorp
Classification: Uncertain significance for Glycogen storage disease IXb. Last evaluated: 2022-03-27. Review status: criteria provided, single submitter. Criteria: Invitae Variant Classification Sherloc (09022015). Collection method: clinical testing. Allele origin: germline.
Comment: This sequence change replaces tyrosine, which is neutral and polar, with asparagine, which is neutral and polar, at codon 127 of the PHKB protein (p.Tyr127Asn). This variant is present in population databases (rs151291928, gnomAD 0.01%). This variant has not been reported in the literature in individuals affected with PHKB-related conditions. Algorithms developed to predict the effect of missense changes on protein structure and function are either unavailable or do not agree on the potential impact of this missense change (SIFT: "Tolerated"; PolyPhen-2: "Probably Damaging"; Align-GVGD: "Class C0"). In summary, the available evidence is currently insufficient to determine the role of this variant in disease. Therefore, it has been classified as a Variant of Uncertain Significance.